The following is an entry in ClinVar:

ClinVar aggregate classification (germline): Uncertain significance (1 of 4 stars; one submission).

Submission:

CeGaT Center for Human Genetics Tuebingen
Classification: Uncertain significance. Last evaluated: 2026-07-01. Review status: criteria provided, single submitter. Criteria: CeGaT Center For Human Genetics Tuebingen Variant Classification Criteria Version 2. Collection method: clinical testing. Allele origin: germline. Affected: yes. Observed: 1 variant allele.
Comment: MAST3: PM2, PP2

NM_001393504.1(MAST3):c.11C>G (p.Ser4Trp)

Genes: IL12RB1 (interleukin 12 receptor subunit beta 1; minus strand), MAST3 (microtubule associated serine/threonine kinase 3; plus strand), LOC130063975 (ATAC-STARR-seq lymphoblastoid silent region 10369; plus strand). Cytogenetic location: 19p13.11.
Variant type: single nucleotide variant.
Coding change: c.11C>G on transcript NM_001393504.1 (MANE Select); coding-DNA position 11, C replaced by G.
Protein change: p.Ser4Trp; replaces serine 4 with tryptophan.
Molecular consequence: missense variant. On other transcripts: intron variant (3).
Genome position (GRCh38, 1-based): chr19:18,097,803, C>G. VCF-style: chr19-18097803-C-G. GRCh37 (hg19) VCF-style: chr19-18208613-C-G.
Other names: c.11C>G, p.Ser4Trp (NM_001393501.1, NM_001393502.1, NM_001393508.1 and 8 more transcripts); c.11+952G>C (NM_001290024.2, NM_001440427.1, NM_001440426.1); short protein forms S4W.
Identifiers: ClinVar variation 5039484 (VCV005039484.1).